The following is an entry in ClinVar:

NM_025137.4(SPG11):c.6912T>G (p.Phe2304Leu)

Gene: SPG11 (SPG11 vesicle trafficking associated, spatacsin; minus strand). Cytogenetic location: 15q21.1.
Variant type: single nucleotide variant.
Coding change: c.6912T>G on transcript NM_025137.4 (MANE Select); coding-DNA position 6912, T replaced by G.
Protein change: p.Phe2304Leu; replaces phenylalanine 2304 with leucine.
Molecular consequence: missense variant.
Genome position (GRCh38, 1-based): chr15:44,565,941, A>C on the plus strand (T>G on the coding strand, the complement: SPG11 is on the minus strand). VCF-style: chr15-44565941-A-C. GRCh37 (hg19) VCF-style: chr15-44858139-A-C.
Other names: c.6573T>G, p.Phe2191Leu (NM_001160227.2); short protein forms F2191L, F2304L.
Identifiers: ClinVar variation 1364563 (VCV001364563.26), dbSNP rs146914461, ClinGen allele CA7533953.

ClinVar aggregate classification (germline): Uncertain significance. Review status: criteria provided, multiple submitters, no conflicts (2 of 4 stars). 2 submissions from 2 submitters: Uncertain significance (2). Last evaluated 2023-01-01.

Conditions:
Hereditary spastic paraplegia 11. Also called: Spastic Paraplegia 11; SPASTIC PARAPLEGIA, AUTOSOMAL RECESSIVE, COMPLICATED, WITH THIN CORPUS CALLOSUM; SPASTIC PARAPLEGIA, AUTOSOMAL RECESSIVE, WITH MENTAL IMPAIRMENT AND THIN CORPUS CALLOSUM; Nakamura Osame syndrome; Autosomal recessive hereditary spastic paraplegia, mental impairment, and thin corpus callosum; Spastic paraplegia, mental retardation and thin corpus callosum. Identifiers: Orphanet 2822, MedGen C1858479, MONDO:0011445, OMIM 604360.

Allele frequency attached by ClinVar (database versions not stated): gnomAD exomes below 0.00001; ExAC 0.00001; gnomAD 0.00001; 1000 Genomes Project 30x 0.00016; 1000 Genomes Project 0.00020.
gnomAD v4.1: 7 of 1,614,020 alleles (0.00043%); highest among the groups gnomAD compares: African/African-American, 0.008%; no homozygotes.

Submissions (2):

CeGaT Center for Human Genetics Tuebingen
Classification: Uncertain significance. Last evaluated: 2023-01-01. Review status: criteria provided, single submitter. Criteria: CeGaT Center For Human Genetics Tuebingen Variant Classification Criteria Version 2. Collection method: clinical testing. Allele origin: germline. Affected: yes. Observed: 1 variant allele.
Comment: SPG11: PM2, BP1

Labcorp Genetics (formerly Invitae), Labcorp
Classification: Uncertain significance for Hereditary spastic paraplegia 11. Last evaluated: 2022-10-17. Review status: criteria provided, single submitter. Criteria: Invitae Variant Classification Sherloc (09022015). Collection method: clinical testing. Allele origin: germline.
Comment: This sequence change replaces phenylalanine, which is neutral and non-polar, with leucine, which is neutral and non-polar, at codon 2304 of the SPG11 protein (p.Phe2304Leu). This variant is present in population databases (rs146914461, gnomAD 0.007%). This variant has not been reported in the literature in individuals affected with SPG11-related conditions. ClinVar contains an entry for this variant (Variation ID: 1364563). Advanced modeling of protein sequence and biophysical properties (such as structural, functional, and spatial information, amino acid conservation, physicochemical variation, residue mobility, and thermodynamic stability) performed at Invitae indicates that this missense variant is not expected to disrupt SPG11 protein function. In summary, the available evidence is currently insufficient to determine the role of this variant in disease. Therefore, it has been classified as a Variant of Uncertain Significance.